The following is an entry in ClinVar:

ClinVar aggregate classification (germline): Conflicting classifications of pathogenicity. Review status: criteria provided, conflicting classifications (1 of 4 stars). 6 submissions from 6 submitters: Uncertain significance (1); Benign (1); Likely benign (4). Last evaluated 2026-04-22.

Conditions:
Hereditary cancer-predisposing syndrome. Also called: Neoplastic Syndromes, Hereditary; Hereditary neoplastic syndrome; Hereditary Cancer Syndrome; Tumor predisposition. Identifiers: Orphanet 140162, MedGen C0027672, MeSH D009386, MONDO:0015356.
Hereditary diffuse gastric adenocarcinoma (HDGC). Also called: DIFFUSE GASTRIC AND LOBULAR BREAST CANCER SYNDROME. Identifiers: Orphanet 26106, MedGen C1708349, MONDO:0007648, OMIM 137215.

Allele frequency attached by ClinVar (database versions not stated): gnomAD exomes 0.00001; ExAC 0.00001.
gnomAD v4.1: 3 of 1,614,226 alleles (0.00019%); highest among the groups gnomAD compares: South Asian, 0.0011%; no homozygotes.

Submissions (6):

Ambry Genetics
Classification: Likely benign for Hereditary cancer-predisposing syndrome. Last evaluated: 2026-04-22. Review status: criteria provided, single submitter. Criteria: Ambry Variant Classification Scheme 2023. Collection method: clinical testing. Allele origin: germline.

Labcorp Genetics (formerly Invitae), Labcorp
Classification: Likely benign for Hereditary diffuse gastric adenocarcinoma. Last evaluated: 2025-12-02. Review status: criteria provided, single submitter. Criteria: Invitae Variant Classification Sherloc (09022015). Collection method: clinical testing. Allele origin: germline.

Myriad Genetics, Inc.
Classification: Benign for Hereditary diffuse gastric adenocarcinoma. Last evaluated: 2024-09-20. Review status: criteria provided, single submitter. Criteria: Myriad Autosomal Dominant, Autosomal Recessive and X-Linked Classification Criteria (2023). Collection method: clinical testing. Allele origin: unknown.
Comment: This variant is considered benign. This variant is a silent/synonymous amino acid change and it is not expected to impact splicing.

Color Diagnostics, LLC DBA Color Health
Classification: Likely benign for Hereditary cancer-predisposing syndrome. Last evaluated: 2023-08-15. Review status: criteria provided, single submitter. Criteria: ACMG Guidelines, 2015. Collection method: clinical testing. Allele origin: germline.

European Reference Network on Genetic Tumour Risk Syndromes (ERN-GENTURIS), i3s - Instituto de Investigação e Inovação em Saúde, University of Porto
Classification: Uncertain significance for Hereditary diffuse gastric adenocarcinoma. Last evaluated: 2022-08-01. Review status: criteria provided, single submitter. Criteria: Lee et al. (Hum Mutat. 2018). Collection method: clinical testing. Allele origin: germline. Inheritance: Autosomal dominant inheritance. Affected: no. Study: ERN GENTURIS.
Comment: PM2 (PMID: 30311375)

GeneDx
Classification: Likely benign. Last evaluated: 2018-05-17. Review status: criteria provided, single submitter. Criteria: GeneDx Variant Classification (06012015). Collection method: clinical testing. Allele origin: germline. Affected: yes.
Comment: This variant is considered likely benign or benign based on one or more of the following criteria: it is a conservative change, it occurs at a poorly conserved position in the protein, it is predicted to be benign by multiple in silico algorithms, and/or has population frequency not consistent with disease.

Literature cited by the submitters: PubMed 36436516 (cited by European Reference Network on Genetic Tumour Risk Syndromes (ERN-GENTURIS), i3s - Instituto de Investigação e Inovação em Saúde, University of Porto).

NM_004360.5(CDH1):c.1767T>C (p.Asn589=)

Gene: CDH1 (cadherin 1; plus strand). Cytogenetic location: 16q22.1.
Variant type: single nucleotide variant.
Coding change: c.1767T>C on transcript NM_004360.5 (MANE Select); coding-DNA position 1767, T replaced by C.
Protein change: p.Asn589=; no amino-acid change (asparagine 589 retained).
Molecular consequence: synonymous variant. On other transcripts: 5 prime UTR variant (1).
Genome position (GRCh38, 1-based): chr16:68,822,056, T>C. VCF-style: chr16-68822056-T-C. GRCh37 (hg19) VCF-style: chr16-68855959-T-C.
Other names: c.1584T>C, p.Asn528= (NM_001317184.2); c.219T>C, p.Asn73= (NM_001317185.2); c.-199T>C (NM_001317186.2); c.1767T>C (NM_004360.4).
Identifiers: ClinVar variation 668543 (VCV000668543.12), dbSNP rs763862527, ClinGen allele CA8130148.
Genomic context (GRCh38, chr16:68,822,056, plus strand): 5'-CTTAGGTTCTCCAGTTGCTACTGGAACAGGGACACTTCTGCTGATCCTGTCTGATGTGAA[T>C]GACAACGCCCCCATACCAGAACCTCGAACTATATTCTTCTGTGAGAGGAATCCAAAGCCT-3'
Protein context (NP_004351.1, residues 579-599): GTLLLILSDV[Asn589=]DNAPIPEPRT